The following is an entry in ClinVar:

NM_022051.3(EGLN1):c.868T>G (p.Tyr290Asp)

Genes: EGLN1 (egl-9 family hypoxia inducible factor 1; minus strand), LOC129932769 (ATAC-STARR-seq lymphoblastoid active region 2730; plus strand). Cytogenetic location: 1q42.2.
Variant type: single nucleotide variant.
Coding change: c.868T>G on transcript NM_022051.3 (MANE Select); coding-DNA position 868, T replaced by G.
Protein change: p.Tyr290Asp; replaces tyrosine 290 with aspartic acid.
Molecular consequence: missense variant.
Genome position (GRCh38, 1-based): chr1:231,421,021, A>C on the plus strand (T>G on the coding strand, the complement: EGLN1 is on the minus strand). VCF-style: chr1-231421021-A-C. GRCh37 (hg19) VCF-style: chr1-231556767-A-C.
Other names: c.868T>G, p.Tyr290Asp (NM_001377260.1, NM_001377261.1); short protein forms Y290D.
Identifiers: ClinVar variation 1764321 (VCV001764321.2), dbSNP rs2527358173, ClinGen allele CA345234870.

ClinVar aggregate classification (germline): Uncertain significance (1 of 4 stars; one submission).

Submission:

Ambry Genetics
Classification: Uncertain significance. Last evaluated: 2021-12-10. Review status: criteria provided, single submitter. Criteria: Ambry Variant Classification Scheme 2023. Collection method: clinical testing. Allele origin: germline.
Comment: The p.Y290D variant (also known as c.868T>G), located in coding exon 1 of the EGLN1 gene, results from a T to G substitution at nucleotide position 868. The tyrosine at codon 290 is replaced by aspartic acid, an amino acid with highly dissimilar properties. This amino acid position is conserved. In addition, this alteration is predicted to be deleterious by in silico analysis. Since supporting evidence is limited at this time, the clinical significance of this alteration remains unclear.